The following is an entry in ClinVar:

NM_001267550.2(TTN):c.15196A>G (p.Ser5066Gly)

Gene: TTN (titin; minus strand). Cytogenetic location: 2q31.2.
Variant type: single nucleotide variant.
Coding change: c.15196A>G on transcript NM_001267550.2 (MANE Select); coding-DNA position 15196, A replaced by G.
Protein change: p.Ser5066Gly; replaces serine 5066 with glycine.
Molecular consequence: missense variant. On other transcripts: intron variant (3).
Genome position (GRCh38, 1-based): chr2:178,734,728, T>C on the plus strand (A>G on the coding strand, the complement: TTN is on the minus strand). VCF-style: chr2-178734728-T-C. GRCh37 (hg19) VCF-style: chr2-179599455-T-C.
Other names: c.14245A>G, p.Ser4749Gly (NM_001256850.1); c.11464A>G, p.Ser3822Gly (NM_133378.4); c.13282+3354A>G (NM_003319.4); c.13858+3354A>G (NM_133437.4); c.13657+3354A>G (NM_133432.3); short protein forms S5066G, S3822G, S4749G.
Identifiers: ClinVar variation 404686 (VCV000404686.9), dbSNP rs756793304, ClinGen allele CA2002279.

ClinVar aggregate classification (germline): Uncertain significance. Review status: criteria provided, multiple submitters, no conflicts (2 of 4 stars). 5 submissions from 5 submitters: Uncertain significance (5). Last evaluated 2026-05-29.

Conditions:
TTN-related disorder. Also called: TTN-related disorders; TTN-related condition; TTN-related disease.
Autosomal recessive limb-girdle muscular dystrophy type 2J (LGMDR10). Also called: Limb-girdle muscular dystrophy, type 2J; MUSCULAR DYSTROPHY, LIMB-GIRDLE, AUTOSOMAL RECESSIVE 10. Identifiers: Orphanet 140922, MedGen C1837342, MONDO:0012127, OMIM 608807.
Dilated cardiomyopathy 1G (CMD1G). Identifiers: Orphanet 154, MedGen C1858763, MONDO:0011400, OMIM 604145.
Early-onset myopathy with fatal cardiomyopathy (CMYO5). Also called: Salih Myopathy; CONGENITAL MYOPATHY 5 WITH CARDIOMYOPATHY. Identifiers: Orphanet 289377, MedGen C2673677, MONDO:0012714, OMIM 611705. Disease mechanism: loss of function.
Hypertrophic cardiomyopathy 9. Also called: Familial hypertrophic cardiomyopathy 9. Identifiers: MedGen C1861065, MONDO:0013412, OMIM 613765.
Myopathy, myofibrillar, 9, with early respiratory failure (MFM9). Also called: Hereditary myopathy with early respiratory failure; MYOPATHY, PROXIMAL, WITH EARLY RESPIRATORY MUSCLE INVOLVEMENT; EDSTROM MYOPATHY; Myopathy, distal, with early respiratory failure, autosomal dominant. Identifiers: Orphanet 178464, Orphanet 34521, MedGen C1863599, MONDO:0011362, OMIM 603689.
Tibial muscular dystrophy (TMD). Also called: UDD MYOPATHY; Tibial muscular dystrophy, tardive; Udd Distal Myopathy – Tibial Muscular Dystrophy. Identifiers: Orphanet 609, MedGen C1838244, MONDO:0010870, OMIM 600334.

Allele frequency attached by ClinVar (database versions not stated): gnomAD exomes 0.00001 and 0.00005; ExAC 0.00002; TOPMed 0.00002; gnomAD 0.00003.
gnomAD v4.1: 80 of 1,612,424 alleles (0.005%); highest among the groups gnomAD compares: Non-Finnish European, 0.0064%; no homozygotes.

Submissions (5):

PreventionGenetics, part of Exact Sciences
Classification: Uncertain significance for TTN-related condition. Last evaluated: 2026-05-29. Review status: criteria provided, single submitter. Criteria: ACMG Guidelines, 2015. Collection method: clinical testing. Allele origin: germline.
Comment: The TTN c.15196A>G variant is predicted to result in the amino acid substitution p.Ser5066Gly. To our knowledge, this variant has not been reported in the literature. This variant is reported in 0.0039% of alleles in individuals of European (Non-Finnish) descent in gnomAD. At this time, the clinical significance of this variant is uncertain due to the absence of conclusive functional and genetic evidence.

Revvity Omics, Revvity
Classification: Uncertain significance. Last evaluated: 2025-03-26. Review status: criteria provided, single submitter. Criteria: ACMG Guidelines, 2015. Collection method: clinical testing. Allele origin: germline.

Women's Health and Genetics/Laboratory Corporation of America, LabCorp
Classification: Uncertain significance. Last evaluated: 2023-03-06. Review status: criteria provided, single submitter. Criteria: LabCorp Variant Classification Summary - May 2015. Collection method: clinical testing. Allele origin: germline.

Fulgent Genetics
Classification: Uncertain significance for Tibial muscular dystrophy; Myopathy, myofibrillar, 9, with early respiratory failure; Dilated cardiomyopathy 1G; Autosomal recessive limb-girdle muscular dystrophy type 2J; Early-onset myopathy with fatal cardiomyopathy; Hypertrophic cardiomyopathy 9. Last evaluated: 2021-07-02. Review status: criteria provided, single submitter. Criteria: ACMG Guidelines, 2015. Collection method: clinical testing. Allele origin: unknown.

Labcorp Genetics (formerly Invitae), Labcorp
Classification: Uncertain significance for Dilated cardiomyopathy 1G; Autosomal recessive limb-girdle muscular dystrophy type 2J. Last evaluated: 2017-08-08. Review status: criteria provided, single submitter. Criteria: Invitae Variant Classification Sherloc (09022015). Collection method: clinical testing. Allele origin: germline.